The following is an entry in ClinVar:

NM_054027.6(ANKH):c.944C>T (p.Thr315Met)

Gene: ANKH (ANKH inorganic pyrophosphate transport regulator; minus strand). Cytogenetic location: 5p15.2.
Variant type: single nucleotide variant.
Coding change: c.944C>T on transcript NM_054027.6 (MANE Select); coding-DNA position 944, C replaced by T.
Protein change: p.Thr315Met; replaces threonine 315 with methionine.
Molecular consequence: missense variant.
Genome position (GRCh38, 1-based): chr5:14,741,894, G>A on the plus strand (C>T on the coding strand, the complement: ANKH is on the minus strand). VCF-style: chr5-14741894-G-A. GRCh37 (hg19) VCF-style: chr5-14742003-G-A.
Other names: short protein forms T315M.
Identifiers: ClinVar variation 1424042 (VCV001424042.6), dbSNP rs559321861, ClinGen allele CA3208978.

ClinVar aggregate classification (germline): Uncertain significance (1 of 4 stars; one submission).

Allele frequency attached by ClinVar (database versions not stated): TOPMed 0.00002; gnomAD 0.00003; gnomAD exomes 0.00004 and 0.00006; ExAC 0.00006; 1000 Genomes Project 0.00020; 1000 Genomes Project 30x 0.00031.
gnomAD v4.1: 65 of 1,614,150 alleles (0.004%); highest among the groups gnomAD compares: South Asian, 0.036%; no homozygotes.

Submission:

Labcorp Genetics (formerly Invitae), Labcorp
Classification: Uncertain significance. Last evaluated: 2024-02-14. Review status: criteria provided, single submitter. Criteria: Invitae Variant Classification Sherloc (09022015). Collection method: clinical testing. Allele origin: germline.
Comment: This sequence change replaces threonine, which is neutral and polar, with methionine, which is neutral and non-polar, at codon 315 of the ANKH protein (p.Thr315Met). This variant is present in population databases (rs559321861, gnomAD 0.03%). This variant has not been reported in the literature in individuals affected with ANKH-related conditions. ClinVar contains an entry for this variant (Variation ID: 1424042). An algorithm developed to predict the effect of missense changes on protein structure and function (PolyPhen-2) suggests that this variant is likely to be tolerated. In summary, the available evidence is currently insufficient to determine the role of this variant in disease. Therefore, it has been classified as a Variant of Uncertain Significance.